The following is an entry in ClinVar:

NM_024120.5(NDUFAF5):c.263+81T>G

Gene: NDUFAF5 (NADH:ubiquinone oxidoreductase complex assembly factor 5; plus strand). Cytogenetic location: 20p12.1.
Variant type: single nucleotide variant.
Coding change: c.263+81T>G on transcript NM_024120.5 (MANE Select); 81 bases into the intron after coding-DNA position 263, T replaced by G.
Molecular consequence: intron variant.
Genome position (GRCh38, 1-based): chr20:13,787,433, T>G. VCF-style: chr20-13787433-T-G. GRCh37 (hg19) VCF-style: chr20-13768079-T-G.
Other names: c.-299+81T>G (NM_001352407.2); c.-319+81T>G (NM_001352406.2); c.263+81T>G (NM_001039375.3, NM_001352408.2); c.-105+81T>G (NM_001352403.2).
Identifiers: ClinVar variation 673878 (VCV000673878.5), dbSNP rs6042361, ClinGen allele CA15963625.

ClinVar aggregate classification (germline): Benign. Review status: criteria provided, multiple submitters, no conflicts (2 of 4 stars). 3 submissions from 3 submitters: Benign (3). Last evaluated 2021-06-10.

Conditions:
Mitochondrial complex I deficiency, nuclear type 16. Also called: Mitochondrial complex 1 deficiency, nuclear type 16. Identifiers: MedGen C4748785, MONDO:0032621, OMIM 618238.

Allele frequency attached by ClinVar (database versions not stated): ESP Exome Variant Server 0.14542; gnomAD 0.17325; TOPMed 0.17382; 1000 Genomes Project 30x 0.26218; 1000 Genomes Project 0.26498.

Submissions (3):

Genome-Nilou Lab
Classification: Benign for Mitochondrial complex I deficiency, nuclear type 16. Last evaluated: 2021-06-10. Review status: criteria provided, single submitter. Criteria: ACMG Guidelines, 2015. Collection method: clinical testing. Allele origin: germline. Affected: no.

GeneDx
Classification: Benign. Last evaluated: 2018-06-14. Review status: criteria provided, single submitter. Criteria: GeneDx Variant Classification (06012015). Collection method: clinical testing. Allele origin: germline. Affected: yes.
Comment: This variant is considered likely benign or benign based on one or more of the following criteria: it is a conservative change, it occurs at a poorly conserved position in the protein, it is predicted to be benign by multiple in silico algorithms, and/or has population frequency not consistent with disease.

Breakthrough Genomics
Classification: Benign. Review status: criteria provided, single submitter. Criteria: ACMG Guidelines, 2015. Collection method: not provided. Allele origin: germline. Inheritance: Autosomal recessive inheritance. Affected: yes.